The following is an entry in ClinVar:

NM_001134407.3(GRIN2A):c.4356C>G (p.Arg1452=)

Gene: GRIN2A (glutamate ionotropic receptor NMDA type subunit 2A; minus strand). Cytogenetic location: 16p13.2.
Variant type: single nucleotide variant.
Coding change: c.4356C>G on transcript NM_001134407.3 (MANE Select); coding-DNA position 4356, C replaced by G.
Protein change: p.Arg1452=; no amino-acid change (arginine 1452 retained).
Molecular consequence: synonymous variant. On other transcripts: 3 prime UTR variant (1).
Genome position (GRCh38, 1-based): chr16:9,763,188, G>C on the plus strand (C>G on the coding strand, the complement: GRIN2A is on the minus strand). VCF-style: chr16-9763188-G-C. GRCh37 (hg19) VCF-style: chr16-9857045-G-C.
Other names: c.4356C>G, p.Arg1452= (NM_000833.5); c.*167C>G (NM_001134408.2).
Identifiers: ClinVar variation 238192 (VCV000238192.21), dbSNP rs140093291, ClinGen allele CA7896168.

ClinVar aggregate classification (germline): Benign/Likely benign. Review status: criteria provided, multiple submitters, no conflicts (2 of 4 stars). 5 submissions from 5 submitters: Benign (1); Likely benign (4). Last evaluated 2025-08-02.

Conditions:
Inborn genetic diseases. Identifiers: MedGen C0950123, MeSH D030342.
Landau-Kleffner syndrome (FESD). Also called: APHASIA, ACQUIRED, WITH EPILEPSY; EPILEPSY, FOCAL, WITH SPEECH DISORDER AND WITH OR WITHOUT MENTAL RETARDATION. Identifiers: Orphanet 1945, Orphanet 725, Orphanet 98818, MedGen C0282512, MONDO:0009509, OMIM 245570.

Allele frequency attached by ClinVar (database versions not stated): gnomAD 0.00012; TOPMed 0.00012; ESP Exome Variant Server 0.00015; ExAC 0.00017; gnomAD exomes 0.00023.
gnomAD v4.1: 170 of 1,613,536 alleles (0.011%); highest among the groups gnomAD compares: Non-Finnish European, 0.002%; no homozygotes.

Submissions (5):

Labcorp Genetics (formerly Invitae), Labcorp
Classification: Likely benign for Landau-Kleffner syndrome. Last evaluated: 2025-08-02. Review status: criteria provided, single submitter. Criteria: Invitae Variant Classification Sherloc (09022015). Collection method: clinical testing. Allele origin: germline.

Blueprint Genetics
Classification: Likely benign. Last evaluated: 2024-02-05. Review status: criteria provided, single submitter. Criteria: ACMG Guidelines, 2015. Collection method: clinical testing. Allele origin: germline.

GeneDx
Classification: Likely benign. Last evaluated: 2019-08-22. Review status: criteria provided, single submitter. Criteria: GeneDx Variant Classification Process June 2021. Collection method: clinical testing. Allele origin: germline. Affected: yes.

Illumina Laboratory Services, Illumina
Classification: Benign for Landau-Kleffner syndrome. Last evaluated: 2018-01-13. Review status: criteria provided, single submitter. Criteria: ICSL Variant Classification Criteria 13 December 2019. Collection method: clinical testing. Allele origin: germline.
Comment: This variant was observed in the ICSL laboratory as part of a predisposition screen in an ostensibly healthy population. It had not been previously curated by ICSL or reported in the Human Gene Mutation Database (HGMD: prior to June 1st, 2018), and was therefore a candidate for classification through an automated scoring system. Utilizing variant allele frequency, disease prevalence and penetrance estimates, and inheritance mode, an automated score was calculated to assess if this variant is too frequent to cause the disease. Based on the score and internal cut-off values, a variant classified as benign is not then subjected to further curation. The score for this variant resulted in a classification of benign for this disease.

Ambry Genetics
Classification: Likely benign for Inborn genetic diseases. Last evaluated: 2017-09-28. Review status: criteria provided, single submitter. Criteria: Ambry Variant Classification Scheme 2023. Collection method: clinical testing. Allele origin: germline.